The following is an entry in ClinVar:

ClinVar aggregate classification (germline): Uncertain significance (1 of 4 stars; one submission).

gnomAD v4.1: 1 of 1,602,552 alleles (0.000062%); no homozygotes.

Submission:

Ambry Genetics
Classification: Uncertain significance. Last evaluated: 2026-09-07. Review status: criteria provided, single submitter. Criteria: Ambry Variant Classification Scheme 2023. Collection method: clinical testing. Allele origin: germline.
Comment: The p.V113A variant (also known as c.338T>C), located in coding exon 2 of the GEN1 gene, results from a T to C substitution at nucleotide position 338. The valine at codon 113 is replaced by alanine, an amino acid with similar properties. This amino acid position is conserved. In addition, this alteration is predicted to be tolerated by in silico analysis. Based on the available evidence, the clinical significance of this variant remains unclear.

NM_001130009.3(GEN1):c.338T>C (p.Val113Ala)

Gene: GEN1 (GEN1 structure-specific endonuclease; plus strand). Cytogenetic location: 2p24.2.
Variant type: single nucleotide variant.
Coding change: c.338T>C on transcript NM_001130009.3 (MANE Select); coding-DNA position 338, T replaced by C.
Protein change: p.Val113Ala; replaces valine 113 with alanine.
Molecular consequence: missense variant.
Genome position (GRCh38, 1-based): chr2:17,761,572, T>C. VCF-style: chr2-17761572-T-C. GRCh37 (hg19) VCF-style: chr2-17942839-T-C.
Other names: c.338T>C, p.Val113Ala (NM_182625.5); short protein forms V113A.
Identifiers: ClinVar variation 5022358 (VCV005022358.1).